The following is an entry in ClinVar:

ClinVar aggregate classification (germline): Conflicting classifications of pathogenicity. Review status: criteria provided, conflicting classifications (1 of 4 stars). 3 submissions from 3 submitters: Uncertain significance (1); Likely benign (2). Last evaluated 2026-07-08.

Conditions:
MYH7B-related disorder. Also called: MYH7B-related condition.

Allele frequency attached by ClinVar (database versions not stated): gnomAD exomes 0.00013; ExAC 0.00016; 1000 Genomes Project 30x 0.00031; 1000 Genomes Project 0.00040; ESP Exome Variant Server 0.00047; TOPMed 0.00053; gnomAD 0.00058 and 0.00060.

Submissions (3):

PreventionGenetics, part of Exact Sciences
Classification: Likely benign for MYH7B-related condition. Last evaluated: 2026-07-08. Review status: criteria provided, single submitter. Criteria: ACMG Guidelines, 2015. Collection method: clinical testing. Allele origin: germline.
Comment: This variant is classified as likely benign based on ACMG/AMP sequence variant interpretation guidelines (Richards et al. 2015 PMID: 25741868, with internal and published modifications).

Labcorp Genetics (formerly Invitae), Labcorp
Classification: Likely benign. Last evaluated: 2026-01-04. Review status: criteria provided, single submitter. Criteria: Invitae Variant Classification Sherloc (09022015). Collection method: clinical testing. Allele origin: germline.

Ambry Genetics
Classification: Uncertain significance. Last evaluated: 2023-06-06. Review status: criteria provided, single submitter. Criteria: Ambry Variant Classification Scheme 2023. Collection method: clinical testing. Allele origin: germline.

NM_020884.7(MYH7B):c.4967A>G (p.Gln1656Arg)

Gene: MYH7B (myosin heavy chain 7B; plus strand). Cytogenetic location: 20q11.22.
Variant type: single nucleotide variant.
Coding change: c.4967A>G on transcript NM_020884.7 (MANE Select); coding-DNA position 4967, A replaced by G.
Protein change: p.Gln1656Arg; replaces glutamine 1656 with arginine.
Molecular consequence: missense variant.
Genome position (GRCh38, 1-based): chr20:35,000,478, A>G. VCF-style: chr20-35000478-A-G. GRCh37 (hg19) VCF-style: chr20-33588281-A-G.
Other names: c.5093A>G (NM_020884.3); short protein forms Q1656R.
Identifiers: ClinVar variation 728186 (VCV000728186.12), dbSNP rs6060148, ClinGen allele CA9828386.